The following is an entry in ClinVar:

NM_000284.4(PDHA1):c.1009-46_1030dup

Gene: PDHA1 (pyruvate dehydrogenase E1 subunit alpha 1; plus strand). Cytogenetic location: Xp22.12.
Variant type: Duplication.
Coding change: c.1009-46_1030dup on transcript NM_000284.4 (MANE Select); 46 bases into the intron before coding-DNA position 1009 through coding-DNA position 1030, 68 bases duplicated.
Molecular consequence: splice acceptor variant.
Genome position (GRCh38, 1-based): chrX:19,359,443-19,359,510, 68 bases duplicated. GRCh37 (hg19): chrX:19,377,561-19,377,628.
Other names: c.1123-46_1144dup (NM_001173454.2); c.1030-46_1051dup (NM_001173455.2); c.916-46_937dup (NM_001173456.2); c.1009-46_1030dup68 (NM_000284.4).
Identifiers: ClinVar variation 3769506 (VCV003769506.2).

ClinVar aggregate classification (germline): Uncertain significance (1 of 4 stars; one submission).

Submission:

Women's Health and Genetics/Laboratory Corporation of America, LabCorp
Classification: Uncertain significance. Last evaluated: 2025-01-21. Review status: criteria provided, single submitter. Criteria: LabCorp Variant Classification Summary - May 2015. Collection method: clinical testing. Allele origin: germline.
Comment: Variant summary: The PDHA1 c.1009-46_1030dup68 variant involves the duplication of 68 nucleotides that includes nucleotides from intron 10 and exon 11, spanning the intron-exon junction. Several computational tools predict a significant impact on normal splicing: One predict the variant weakens a canonical 3' acceptor site. Four predict the variant creates a cryptic 3' acceptor site. However, these predictions have yet to be confirmed by functional studies. The variant was absent in 182906 control chromosomes. The available data on variant occurrences in the general population are insufficient to allow any conclusion about variant significance. To our knowledge, no occurrence of c.1009-46_1030dup68 in individuals affected with Pyruvate Dehydrogenase Deficiency and no experimental evidence demonstrating its impact on protein function have been reported. No submitters have cited clinical-significance assessments for this variant to ClinVar. Based on the evidence outlined above, the variant was classified as uncertain significance.